The following is an entry in ClinVar:

NM_020884.7(MYH7B):c.2032C>T (p.Arg678Cys)

Gene: MYH7B (myosin heavy chain 7B; plus strand). Cytogenetic location: 20q11.22.
Variant type: single nucleotide variant.
Coding change: c.2032C>T on transcript NM_020884.7 (MANE Select); coding-DNA position 2032, C replaced by T.
Protein change: p.Arg678Cys; replaces arginine 678 with cysteine.
Molecular consequence: missense variant.
Genome position (GRCh38, 1-based): chr20:34,990,792, C>T. VCF-style: chr20-34990792-C-T. GRCh37 (hg19) VCF-style: chr20-33578595-C-T.
Other names: short protein forms R678C.
Identifiers: ClinVar variation 4770694 (VCV004770694.1).
Genomic context (GRCh38, chr20:34,990,792, plus strand): 5'-TGCCAGGAGAACCTCAACAAGCTGATGACCAACCTGCGGGCCACACAGCCCCACTTCGTC[C>T]GCTGCATTGTCCCCAACGAGAACAAAACCCCAGGTAGTCACCCAGGGCTGGCCTGGCTGG-3'
Protein context (NP_065935.4, residues 668-688): NLRATQPHFV[Arg678Cys]CIVPNENKTP

ClinVar aggregate classification (germline): Uncertain significance (1 of 4 stars; one submission).

Submission:

Labcorp Genetics (formerly Invitae), Labcorp
Classification: Uncertain significance. Last evaluated: 2025-11-08. Review status: criteria provided, single submitter. Criteria: Invitae Variant Classification Sherloc (09022015). Collection method: clinical testing. Allele origin: germline.
Comment: This sequence change replaces arginine, which is basic and polar, with cysteine, which is neutral and slightly polar, at codon 720 of the MYH7B protein (p.Arg720Cys). This variant is present in population databases (rs760762396, gnomAD 0.01%). This variant has not been reported in the literature in individuals affected with MYH7B-related conditions. Invitae Evidence Modeling of protein sequence and biophysical properties (such as structural, functional, and spatial information, amino acid conservation, physicochemical variation, residue mobility, and thermodynamic stability) indicates that this missense variant is expected to disrupt MYH7B protein function with a positive predictive value of 80%. In summary, the available evidence is currently insufficient to determine the role of this variant in disease. Therefore, it has been classified as a Variant of Uncertain Significance.